The following is an entry in ClinVar:

ClinVar aggregate classification (germline): Uncertain significance. Review status: criteria provided, multiple submitters, no conflicts (2 of 4 stars). 2 submissions from 2 submitters: Uncertain significance (2). Last evaluated 2026-08-12.

Conditions:
Inborn genetic diseases. Identifiers: MedGen C0950123, MeSH D030342.

Submissions (2):

Ambry Genetics
Classification: Uncertain significance for Inborn genetic diseases. Last evaluated: 2026-08-12. Review status: criteria provided, single submitter. Criteria: Ambry Variant Classification Scheme 2023. Collection method: clinical testing. Allele origin: germline.

Labcorp Genetics (formerly Invitae), Labcorp
Classification: Uncertain significance. Last evaluated: 2022-10-25. Review status: criteria provided, single submitter. Criteria: Invitae Variant Classification Sherloc (09022015). Collection method: clinical testing. Allele origin: germline.
Comment: ClinVar contains an entry for this variant (Variation ID: 1514191). This variant has not been reported in the literature in individuals affected with CACNA1F-related conditions. This variant is not present in population databases (gnomAD no frequency). This sequence change replaces asparagine, which is neutral and polar, with serine, which is neutral and polar, at codon 18 of the CACNA1F protein (p.Asn18Ser). In summary, the available evidence is currently insufficient to determine the role of this variant in disease. Therefore, it has been classified as a Variant of Uncertain Significance. Algorithms developed to predict the effect of missense changes on protein structure and function (SIFT, PolyPhen-2, Align-GVGD) all suggest that this variant is likely to be tolerated.

NM_001256789.3(CACNA1F):c.53A>G (p.Asn18Ser)

Gene: CACNA1F (calcium voltage-gated channel subunit alpha1 F; minus strand). Cytogenetic location: Xp11.23.
Variant type: single nucleotide variant.
Coding change: c.53A>G on transcript NM_001256789.3 (MANE Select); coding-DNA position 53, A replaced by G.
Protein change: p.Asn18Ser; replaces asparagine 18 with serine.
Molecular consequence: missense variant. On other transcripts: intron variant (1).
Genome position (GRCh38, 1-based): chrX:49,231,900, T>C on the plus strand (A>G on the coding strand, the complement: CACNA1F is on the minus strand). VCF-style: chrX-49231900-T-C. GRCh37 (hg19) VCF-style: chrX-49088362-T-C.
Other names: c.53A>G, p.Asn18Ser (NM_005183.4); c.66-208A>G (NM_001256790.3); c.53A>G (NM_005183.2); short protein forms N18S.
Identifiers: ClinVar variation 1514191 (VCV001514191.7), dbSNP rs2147926583, ClinGen allele CA412928642.